The following is an entry in ClinVar:

NM_000360.4(TH):c.293G>A (p.Arg98Gln)

Gene: TH (tyrosine hydroxylase; minus strand). Cytogenetic location: 11p15.5.
Variant type: single nucleotide variant.
Coding change: c.293G>A on transcript NM_000360.4 (MANE Select); coding-DNA position 293, G replaced by A.
Protein change: p.Arg98Gln; replaces arginine 98 with glutamine.
Molecular consequence: missense variant.
Genome position (GRCh38, 1-based): chr11:2,169,669, C>T on the plus strand (G>A on the coding strand, the complement: TH is on the minus strand). VCF-style: chr11-2169669-C-T. GRCh37 (hg19) VCF-style: chr11-2190899-C-T.
Other names: c.386G>A (NM_199292.2); c.386G>A, p.Arg129Gln (NM_199292.3); c.374G>A, p.Arg125Gln (NM_199293.3); short protein forms R129Q, R98Q, R125Q.
Identifiers: ClinVar variation 2201146 (VCV002201146.2), dbSNP rs375214998, ClinGen allele CA5818732.

ClinVar aggregate classification (germline): Uncertain significance. Review status: criteria provided, multiple submitters, no conflicts (2 of 4 stars). 2 submissions from 2 submitters: Uncertain significance (2). Last evaluated 2025-08-22.

Conditions:
Inborn genetic diseases. Identifiers: MedGen C0950123, MeSH D030342.
TH-deficient dopa-responsive dystonia. Also called: Tyrosine Hydroxylase-Deficient Dopa-Responsive Dystonia; Segawa syndrome, autosomal recessive; DYT-TH. Identifiers: Orphanet 101150, MedGen C2673535, MONDO:0011551, OMIM 605407.

Allele frequency attached by ClinVar (database versions not stated): ESP Exome Variant Server 0.00008.
gnomAD v4.1: 30 of 1,613,452 alleles (0.0019%); highest among the groups gnomAD compares: Non-Finnish European, 0.0024%; no homozygotes.

Submissions (2):

Ambry Genetics
Classification: Uncertain significance for Inborn genetic diseases. Last evaluated: 2025-08-22. Review status: criteria provided, single submitter. Criteria: Ambry Variant Classification Scheme 2023. Collection method: clinical testing. Allele origin: germline.

Labcorp Genetics (formerly Invitae), Labcorp
Classification: Uncertain significance for TH-deficient dopa-responsive dystonia. Last evaluated: 2022-04-13. Review status: criteria provided, single submitter. Criteria: Invitae Variant Classification Sherloc (09022015). Collection method: clinical testing. Allele origin: germline.
Comment: This sequence change replaces arginine, which is basic and polar, with glutamine, which is neutral and polar, at codon 129 of the TH protein (p.Arg129Gln). This variant is present in population databases (rs375214998, gnomAD 0.005%). This variant has not been reported in the literature in individuals affected with TH-related conditions. Advanced modeling of protein sequence and biophysical properties (such as structural, functional, and spatial information, amino acid conservation, physicochemical variation, residue mobility, and thermodynamic stability) performed at Invitae indicates that this missense variant is not expected to disrupt TH protein function. In summary, the available evidence is currently insufficient to determine the role of this variant in disease. Therefore, it has been classified as a Variant of Uncertain Significance.